The following is an entry in ClinVar:

ClinVar aggregate classification (germline): Likely benign. Review status: criteria provided, multiple submitters, no conflicts (2 of 4 stars). 6 submissions from 6 submitters: Likely benign (6). Last evaluated 2026-04-05.

Conditions:
Hereditary cancer-predisposing syndrome. Also called: Hereditary neoplastic syndrome; Hereditary Cancer Syndrome; Neoplastic Syndromes, Hereditary; Tumor predisposition. Identifiers: Orphanet 140162, MedGen C0027672, MeSH D009386, MONDO:0015356.
Hereditary breast ovarian cancer syndrome. Also called: Hereditary breast and ovarian cancer syndrome; BRCA1- and BRCA2-Associated Hereditary Breast and Ovarian Cancer; Hereditary breast and ovarian cancer syndrome (HBOC); Breast and ovarian cancer; Hereditary breast and/or ovarian cancer syndrome; Hereditary breast and ovarian cancer. Identifiers: Orphanet 145, MedGen C0677776, MeSH D061325, MONDO:0003582. Disease mechanism: loss of function.

Submissions (6):

Women's Health and Genetics/Laboratory Corporation of America, LabCorp
Classification: Likely benign. Last evaluated: 2026-04-05. Review status: criteria provided, single submitter. Criteria: LabCorp Variant Classification Summary - May 2015. Collection method: clinical testing. Allele origin: germline.

Labcorp Genetics (formerly Invitae), Labcorp
Classification: Likely benign for Hereditary breast ovarian cancer syndrome. Last evaluated: 2023-02-02. Review status: criteria provided, single submitter. Criteria: Invitae Variant Classification Sherloc (09022015). Collection method: clinical testing. Allele origin: germline.

Ambry Genetics
Classification: Likely benign for Hereditary cancer-predisposing syndrome. Last evaluated: 2022-01-15. Review status: criteria provided, single submitter. Criteria: Ambry Variant Classification Scheme 2023. Collection method: clinical testing. Allele origin: germline.

Color Diagnostics, LLC DBA Color Health
Classification: Likely benign for Hereditary cancer-predisposing syndrome. Last evaluated: 2021-09-16. Review status: criteria provided, single submitter. Criteria: ACMG Guidelines, 2015. Collection method: clinical testing. Allele origin: germline.

Quest Diagnostics Nichols Institute San Juan Capistrano
Classification: Likely benign. Last evaluated: 2018-06-24. Review status: criteria provided, single submitter. Criteria: Quest Diagnostics criteria. Collection method: clinical testing. Allele origin: germline.

GeneDx
Classification: Likely benign. Last evaluated: 2018-04-19. Review status: criteria provided, single submitter. Criteria: GeneDx Variant Classification (06012015). Collection method: clinical testing. Allele origin: germline. Affected: yes.
Comment: This variant is considered likely benign or benign based on one or more of the following criteria: it is a conservative change, it occurs at a poorly conserved position in the protein, it is predicted to be benign by multiple in silico algorithms, and/or has population frequency not consistent with disease.

NM_000059.4(BRCA2):c.2451G>A (p.Lys817=)

Gene: BRCA2 (BRCA2 DNA repair associated; plus strand). Cytogenetic location: 13q13.1.
Variant type: single nucleotide variant.
Coding change: c.2451G>A on transcript NM_000059.4 (MANE Select); coding-DNA position 2451, G replaced by A.
Protein change: p.Lys817=; no amino-acid change (lysine 817 retained).
Molecular consequence: synonymous variant.
Genome position (GRCh38, 1-based): chr13:32,336,806, G>A. VCF-style: chr13-32336806-G-A. GRCh37 (hg19) VCF-style: chr13-32910943-G-A.
Identifiers: ClinVar variation 619633 (VCV000619633.11), dbSNP rs767686668, ClinGen allele CA483437029.
Genomic context (GRCh38, chr13:32,336,806, plus strand): 5'-GCTCAAAGGTAACAATTATGAATCTGATGTTGAATTAACCAAAAATATTCCCATGGAAAA[G>A]AATCAAGATGTATGTGCTTTAAATGAAAATTATAAAAACGTTGAGCTGTTGCCACCTGAA-3'
Protein context (NP_000050.3, residues 807-827): VELTKNIPME[Lys817=]NQDVCALNEN